The following is an entry in ClinVar:

NM_000553.6(WRN):c.3473G>A (p.Gly1158Asp)

Gene: WRN (WRN RecQ like helicase; plus strand). Cytogenetic location: 8p12.
Variant type: single nucleotide variant.
Coding change: c.3473G>A on transcript NM_000553.6 (MANE Select); coding-DNA position 3473, G replaced by A.
Protein change: p.Gly1158Asp; replaces glycine 1158 with aspartic acid.
Molecular consequence: missense variant.
Genome position (GRCh38, 1-based): chr8:31,147,377, G>A. VCF-style: chr8-31147377-G-A. GRCh37 (hg19) VCF-style: chr8-31004893-G-A.
Other names: short protein forms G1158D.
Identifiers: ClinVar variation 644195 (VCV000644195.4), dbSNP rs1432278146, ClinGen allele CA370925666.

ClinVar aggregate classification (germline): Uncertain significance (1 of 4 stars; one submission).

Conditions:
Werner syndrome (WRN). Identifiers: Orphanet 902, MedGen C0043119, MONDO:0010196, OMIM 277700.

Allele frequency attached by ClinVar (database versions not stated): TOPMed below 0.00001; gnomAD 0.00001.

Submission:

Labcorp Genetics (formerly Invitae), Labcorp
Classification: Uncertain significance for Werner syndrome. Last evaluated: 2018-10-29. Review status: criteria provided, single submitter. Criteria: Invitae Variant Classification Sherloc (09022015). Collection method: clinical testing. Allele origin: germline.
Comment: This variant has not been reported in the literature in individuals with WRN-related disease. In summary, the available evidence is currently insufficient to determine the role of this variant in disease. Therefore, it has been classified as a Variant of Uncertain Significance. Algorithms developed to predict the effect of missense changes on protein structure and function are either unavailable or do not agree on the potential impact of this missense change (SIFT: "Tolerated"; PolyPhen-2: "Possibly Damaging"; Align-GVGD: "Class C0"). This variant is not present in population databases (ExAC no frequency). This sequence change replaces glycine with aspartic acid at codon 1158 of the WRN protein (p.Gly1158Asp). The glycine residue is moderately conserved and there is a moderate physicochemical difference between glycine and aspartic acid.